The following is an entry in ClinVar:

NM_001003841.3(SLC6A19):c.1228A>G (p.Met410Val)

Gene: SLC6A19 (solute carrier family 6 member 19; plus strand). Cytogenetic location: 5p15.33.
Variant type: single nucleotide variant.
Coding change: c.1228A>G on transcript NM_001003841.3 (MANE Select); coding-DNA position 1228, A replaced by G.
Protein change: p.Met410Val; replaces methionine 410 with valine.
Molecular consequence: missense variant.
Genome position (GRCh38, 1-based): chr5:1,218,957, A>G. VCF-style: chr5-1218957-A-G. GRCh37 (hg19) VCF-style: chr5-1219072-A-G.
Other names: short protein forms M410V.
Identifiers: ClinVar variation 2584784 (VCV002584784.1), dbSNP rs2477956321, ClinGen allele CA359073311.

ClinVar aggregate classification (germline): Uncertain significance (1 of 4 stars; one submission).

Conditions:
Hyperglycinuria. Also called: GLYCINURIA WITH OR WITHOUT OXALATE NEPHROLITHIASIS; GLYCINURIA WITH OR WITHOUT OXALATE UROLITHIASIS; IMINOGLYCINURIA TYPE II. Identifiers: MedGen C0543541, MONDO:0007677, OMIM 138500, HP:0003108.

Allele frequency attached by ClinVar (database versions not stated): gnomAD exomes below 0.00001.
gnomAD v4.1: 4 of 1,614,014 alleles (0.00025%); highest among the groups gnomAD compares: South Asian, 0.0044%; no homozygotes.

Submission:

Neuberg Centre For Genomic Medicine, NCGM
Classification: Uncertain significance for Hyperglycinuria. Review status: criteria provided, single submitter. Criteria: ACMG Guidelines, 2015. Collection method: clinical testing. Allele origin: germline. Inheritance: Autosomal dominant inheritance. Affected: yes.
Comment: The missense variant c.1228A>G (p.Met410Val) in SLC6A19 gene has not been reported previously as a pathogenic variant nor as a benign variant, to our knowledge. The variant is novel (not in any individuals) in gnomAD Exomes and 1000 Genomes. The amino acid Methionine at position 410 is changed to a Valine changing protein sequence and it might alter its composition and physico-chemical properties. The variant is predicted as conserved by GERP++ and PhyloP across 100 vertebrates. For these reasons, this variant has been classified as Uncertain Significance.